The following is an entry in ClinVar:

ClinVar aggregate classification (germline): Uncertain significance. Review status: criteria provided, multiple submitters, no conflicts (2 of 4 stars). 3 submissions from 3 submitters: Uncertain significance (3). Last evaluated 2025-11-20.

Conditions:
MEGF10-related myopathy (CMYO10A). Also called: Congenital myopathy 10A, severe variant. Identifiers: Orphanet 439212, MedGen C3280679, MONDO:0013731, OMIM 614399.
Inborn genetic diseases. Identifiers: MedGen C0950123, MeSH D030342.

Allele frequency attached by ClinVar (database versions not stated): gnomAD 0.00001; gnomAD exomes 0.00001.
gnomAD v4.1: 5 of 1,614,036 alleles (0.00031%); highest among the groups gnomAD compares: Admixed American, 0.0033%; no homozygotes.

Submissions (3):

Ambry Genetics
Classification: Uncertain significance for Inborn genetic diseases. Last evaluated: 2025-11-20. Review status: criteria provided, single submitter. Criteria: Ambry Variant Classification Scheme 2023. Collection method: clinical testing. Allele origin: germline.

GeneDx
Classification: Uncertain significance. Last evaluated: 2024-11-24. Review status: criteria provided, single submitter. Criteria: GeneDx Variant Classification Process June 2021. Collection method: clinical testing. Allele origin: germline. Affected: yes.
Comment: Not observed at significant frequency in large population cohorts (gnomAD); In silico analysis indicates that this missense variant does not alter protein structure/function; Has not been previously published as pathogenic or benign to our knowledge

Labcorp Genetics (formerly Invitae), Labcorp
Classification: Uncertain significance for MEGF10-related myopathy. Last evaluated: 2022-07-27. Review status: criteria provided, single submitter. Criteria: Invitae Variant Classification Sherloc (09022015). Collection method: clinical testing. Allele origin: germline.
Comment: In summary, the available evidence is currently insufficient to determine the role of this variant in disease. Therefore, it has been classified as a Variant of Uncertain Significance. Algorithms developed to predict the effect of missense changes on protein structure and function are either unavailable or do not agree on the potential impact of this missense change (SIFT: "Deleterious"; PolyPhen-2: "Possibly Damaging"; Align-GVGD: "Class C0"). ClinVar contains an entry for this variant (Variation ID: 1398801). This variant has not been reported in the literature in individuals affected with MEGF10-related conditions. This variant is present in population databases (no rsID available, gnomAD 0.006%). This sequence change replaces serine, which is neutral and polar, with phenylalanine, which is neutral and non-polar, at codon 853 of the MEGF10 protein (p.Ser853Phe).

NM_001256545.2(MEGF10):c.2558C>T (p.Ser853Phe)

Gene: MEGF10 (multiple EGF like domains 10; plus strand). Cytogenetic location: 5q23.2.
Variant type: single nucleotide variant.
Coding change: c.2558C>T on transcript NM_001256545.2 (MANE Select); coding-DNA position 2558, C replaced by T.
Protein change: p.Ser853Phe; replaces serine 853 with phenylalanine.
Molecular consequence: missense variant.
Genome position (GRCh38, 1-based): chr5:127,445,523, C>T. VCF-style: chr5-127445523-C-T. GRCh37 (hg19) VCF-style: chr5-126781215-C-T.
Other names: c.2558C>T, p.Ser853Phe (NM_032446.3); c.2558C>T (NM_032446.2); short protein forms S853F.
Identifiers: ClinVar variation 1398801 (VCV001398801.10), dbSNP rs952649292, ClinGen allele CA126966863.